The following is an entry in ClinVar:

ClinVar aggregate classification (germline): Likely benign (0 of 4 stars; one submission).

Conditions:
CD6-related disorder. Also called: CD6-related condition.

Allele frequency attached by ClinVar (database versions not stated): ExAC 0.00012; gnomAD 0.00012; TOPMed 0.00014.
gnomAD v4.1: 178 of 1,610,984 alleles (0.011%); highest among the groups gnomAD compares: African/African-American, 0.021%; no homozygotes.

Submission:

PreventionGenetics, part of Exact Sciences
Classification: Likely benign for CD6-related condition. Last evaluated: 2019-05-23. Review status: no assertion criteria provided. Collection method: clinical testing. Allele origin: germline.
Comment: This variant is classified as likely benign based on ACMG/AMP sequence variant interpretation guidelines (Richards et al. 2015 PMID: 25741868, with internal and published modifications).

NM_006725.5(CD6):c.1971C>T (p.Thr657=)

Gene: CD6 (CD6 molecule; plus strand). Cytogenetic location: 11q12.2.
Variant type: single nucleotide variant.
Coding change: c.1971C>T on transcript NM_006725.5 (MANE Select); coding-DNA position 1971, C replaced by T.
Protein change: p.Thr657=; no amino-acid change (threonine 657 retained).
Molecular consequence: synonymous variant. On other transcripts: non-coding transcript variant (1).
Genome position (GRCh38, 1-based): chr11:61,019,282, C>T. VCF-style: chr11-61019282-C-T. GRCh37 (hg19) VCF-style: chr11-60786754-C-T.
Other names: c.1770C>T, p.Thr590= (NM_001254750.2); c.1743C>T, p.Thr581= (NM_001254751.2).
Identifiers: ClinVar variation 3039701 (VCV003039701.2), dbSNP rs202123482, ClinGen allele CA6030384.
Genomic context (GRCh38, chr11:61,019,282, plus strand): 5'-TCTCCCACTAATCTGGGCCTCTCTGCCCACAGGGTCCCCCAGCCCTCAGCCTGACTCCAC[C>T]GACAACGATGACTACGATGACATCAGCGCAGCCTAGGCCGGGGCCAGCCGAGGCTCCTGG-3'
Protein context (NP_006716.3, residues 647-667): PGSPSPQPDS[Thr657=]DNDDYDDISA